The following is an entry in ClinVar:

NM_013372.7(GREM1):c.217G>A (p.Val73Met)

Gene: GREM1 (gremlin 1, DAN family BMP antagonist; plus strand). Cytogenetic location: 15q13.3.
Variant type: single nucleotide variant.
Coding change: c.217G>A on transcript NM_013372.7 (MANE Select); coding-DNA position 217, G replaced by A.
Protein change: p.Val73Met; replaces valine 73 with methionine.
Molecular consequence: missense variant. On other transcripts: intron variant (2).
Genome position (GRCh38, 1-based): chr15:32,730,907, G>A. VCF-style: chr15-32730907-G-A. GRCh37 (hg19) VCF-style: chr15-33023108-G-A.
Other names: c.217G>A, p.Val73Met (NM_001368719.1); c.115-21G>A (NM_001191323.2); c.28-21G>A (NM_001191322.2); short protein forms V73M.
Identifiers: ClinVar variation 4824885 (VCV004824885.1).

ClinVar aggregate classification (germline): Uncertain significance (1 of 4 stars; one submission).

Conditions:
Hereditary cancer-predisposing syndrome. Also called: Neoplastic Syndromes, Hereditary; Tumor predisposition; Hereditary Cancer Syndrome; Hereditary neoplastic syndrome. Identifiers: Orphanet 140162, MedGen C0027672, MeSH D009386, MONDO:0015356.

Submission:

Ambry Genetics
Classification: Uncertain significance for Hereditary cancer-predisposing syndrome. Last evaluated: 2026-02-18. Review status: criteria provided, single submitter. Criteria: Ambry Variant Classification Scheme 2023. Collection method: clinical testing. Allele origin: germline.
Comment: The p.V73M variant (also known as c.217G>A), located in coding exon 1 of the GREM1 gene, results from a G to A substitution at nucleotide position 217. The valine at codon 73 is replaced by methionine, an amino acid with highly similar properties. This amino acid position is conserved. In addition, the in silico prediction for this alteration is inconclusive. Based on the available evidence, the clinical significance of this variant remains unclear.